The following is an entry in ClinVar:

ClinVar aggregate classification (germline): Uncertain significance (1 of 4 stars; one submission).

Conditions:
Werner syndrome (WRN). Identifiers: Orphanet 902, MedGen C0043119, MONDO:0010196, OMIM 277700.

Allele frequency attached by ClinVar (database versions not stated): gnomAD exomes below 0.00001; TOPMed below 0.00001; ExAC 0.00001; gnomAD 0.00001.

Submission:

Labcorp Genetics (formerly Invitae), Labcorp
Classification: Uncertain significance for Werner syndrome. Last evaluated: 2021-09-26. Review status: criteria provided, single submitter. Criteria: Invitae Variant Classification Sherloc (09022015). Collection method: clinical testing. Allele origin: germline.
Comment: This sequence change replaces serine with phenylalanine at codon 302 of the WRN protein (p.Ser302Phe). The serine residue is weakly conserved and there is a large physicochemical difference between serine and phenylalanine. This variant is present in population databases (rs754329517, ExAC 0.002%). This variant has not been reported in the literature in individuals affected with WRN-related conditions. Algorithms developed to predict the effect of missense changes on protein structure and function are either unavailable or do not agree on the potential impact of this missense change (SIFT: "Not Available"; PolyPhen-2: "Possibly Damaging"; Align-GVGD: "Not Available"). In summary, the available evidence is currently insufficient to determine the role of this variant in disease. Therefore, it has been classified as a Variant of Uncertain Significance.

NM_000553.6(WRN):c.905C>T (p.Ser302Phe)

Gene: WRN (WRN RecQ like helicase; plus strand). Cytogenetic location: 8p12.
Variant type: single nucleotide variant.
Coding change: c.905C>T on transcript NM_000553.6 (MANE Select); coding-DNA position 905, C replaced by T.
Protein change: p.Ser302Phe; replaces serine 302 with phenylalanine.
Molecular consequence: missense variant.
Genome position (GRCh38, 1-based): chr8:31,080,932, C>T. VCF-style: chr8-31080932-C-T. GRCh37 (hg19) VCF-style: chr8-30938448-C-T.
Other names: short protein forms S302F.
Identifiers: ClinVar variation 1351884 (VCV001351884.3), dbSNP rs754329517, ClinGen allele CA4704222.
Genomic context (GRCh38, chr8:31,080,932, plus strand): 5'-CTATCTTACTAAAGGATATTTCAGAAAATCTATATTCACTGAGGAGGATGATAATTGGGT[C>T]TACTAACATTGAGACTGAACTGAGGCCCAGCAATAATTTAAACTTATTATCCTTTGAAGA-3'
Protein context (NP_000544.2, residues 292-312): LYSLRRMIIG[Ser302Phe]TNIETELRPS